The following is an entry in ClinVar:

ClinVar aggregate classification (germline): Uncertain significance (1 of 4 stars; one submission).

Conditions:
Lamb-Shaffer syndrome. Identifiers: Orphanet 313884, Orphanet 313892, Orphanet 530983, MedGen C4225202, MONDO:0014778, OMIM 616803.

Submission:

3billion
Classification: Uncertain significance for Lamb-Shaffer syndrome. Last evaluated: 2025-12-04. Review status: criteria provided, single submitter. Criteria: ACMG Guidelines, 2015. Collection method: clinical testing. Allele origin: germline. Affected: yes.
Comment: The variant is not observed in the gnomAD v4.1.0 dataset. Predicted Consequence/Location: Missense variant In silico tool predictions suggest damaging effect of the variant on gene or gene product [3Cnet: 0.97 (> 0.75, sensitivity 0.96 and precision 0.92)]. Different missense changes at the same codon have been reported as of uncertain significance (ClinVar ID: VCV003393877). Therefore, this variant is classified as VUS according to the recommendation of ACMG/AMP guideline.

NM_006940.6(SOX5):c.1921C>A (p.Arg641Ser)

Gene: SOX5 (SRY-box transcription factor 5; minus strand). Cytogenetic location: 12p12.1.
Variant type: single nucleotide variant.
Coding change: c.1921C>A on transcript NM_006940.6 (MANE Select); coding-DNA position 1921, C replaced by A.
Protein change: p.Arg641Ser; replaces arginine 641 with serine.
Molecular consequence: missense variant.
Genome position (GRCh38, 1-based): chr12:23,536,520, G>T on the plus strand (C>A on the coding strand, the complement: SOX5 is on the minus strand). VCF-style: chr12-23536520-G-T. GRCh37 (hg19) VCF-style: chr12-23689454-G-T.
Other names: c.1558C>A, p.Arg520Ser (NM_001261414.3); c.1891C>A, p.Arg631Ser (NM_001261415.3); c.1816C>A, p.Arg606Ser (NM_001330785.2); c.1882C>A, p.Arg628Ser (NM_152989.5); c.763C>A, p.Arg255Ser (NM_178010.4); short protein forms R255S, R520S, R606S, R628S, R631S, R641S.
Identifiers: ClinVar variation 4855253 (VCV004855253.1).